The following is an entry in ClinVar:

NM_001035.3(RYR2):c.6456C>T (p.Asn2152=)

Gene: RYR2 (ryanodine receptor 2; plus strand). Cytogenetic location: 1q43.
Variant type: single nucleotide variant.
Coding change: c.6456C>T on transcript NM_001035.3 (MANE Select); coding-DNA position 6456, C replaced by T.
Protein change: p.Asn2152=; no amino-acid change (asparagine 2152 retained).
Molecular consequence: synonymous variant.
Genome position (GRCh38, 1-based): chr1:237,631,442, C>T. VCF-style: chr1-237631442-C-T. GRCh37 (hg19) VCF-style: chr1-237794742-C-T.
Other names: c.6456C>T (NM_001035.2).
Identifiers: ClinVar variation 3385765 (VCV003385765.3).
Genomic context (GRCh38, chr1:237,631,442, plus strand): 5'-GATGTTGCTCTGAGCTTTACCCCATACGTCCATTGTCCTTTCTAGGGATATTATGAATAA[C>T]AAAGTGTTTTACCAGCACCCTAATCTCATGAGGGCACTGGGGATGCACGAGACTGTGATG-3'
Protein context (NP_001026.2, residues 2142-2162): MIRGLGDIMN[Asn2152=]KVFYQHPNLM

ClinVar aggregate classification (germline): Likely benign. Review status: criteria provided, multiple submitters, no conflicts (2 of 4 stars). 3 submissions from 3 submitters: Likely benign (3). Last evaluated 2025-12-01.

Conditions:
Catecholaminergic polymorphic ventricular tachycardia (CVPT). Also called: Catecholamine-induced polymorphic ventricular tachycardia. Identifiers: Orphanet 3286, MedGen C5574922, MONDO:0017990.
Cardiovascular phenotype. Identifiers: MedGen CN230736.
Catecholaminergic polymorphic ventricular tachycardia 1. Also called: VENTRICULAR TACHYCARDIA, CATECHOLAMINERGIC POLYMORPHIC, 1, WITH OR WITHOUT ATRIAL DYSFUNCTION AND/OR DILATED CARDIOMYOPATHY; VENTRICULAR TACHYCARDIA, STRESS-INDUCED POLYMORPHIC 1; RYR2-Related Catecholaminergic Polymorphic Ventricular Tachycardia. Identifiers: Orphanet 3286, MedGen C1631597, MONDO:0011484, OMIM 604772.

gnomAD v4.1: 1 of 1,612,288 alleles (0.000062%); highest among the groups gnomAD compares: African/African-American, 0.0013%; no homozygotes.

Submissions (3):

Ambry Genetics
Classification: Likely benign for Cardiovascular phenotype. Last evaluated: 2025-12-01. Review status: criteria provided, single submitter. Criteria: Ambry Variant Classification Scheme 2023. Collection method: clinical testing. Allele origin: germline.

Labcorp Genetics (formerly Invitae), Labcorp
Classification: Likely benign for Catecholaminergic polymorphic ventricular tachycardia 1. Last evaluated: 2025-03-03. Review status: criteria provided, single submitter. Criteria: Invitae Variant Classification Sherloc (09022015). Collection method: clinical testing. Allele origin: germline.

All of Us Research Program, National Institutes of Health
Classification: Likely benign for Catecholaminergic polymorphic ventricular tachycardia. Last evaluated: 2024-04-25. Review status: criteria provided, single submitter. Criteria: ACMG Guidelines, 2015. Collection method: clinical testing. Allele origin: germline. Inheritance: Autosomal dominant inheritance. Observed: 1 variant allele, 1 heterozygote.
Comment: This study involves interpretation of variants in research participants for the purpose of population health screening. Participant phenotype was not available at the time of variant classification. Additional details can be found in publication PMID: 35346344, PMCID: PMC8962531